The following is an entry in ClinVar:

ClinVar aggregate classification (germline): Uncertain significance. Review status: criteria provided, multiple submitters, no conflicts (2 of 4 stars). 4 submissions from 4 submitters: Uncertain significance (2). 2 of the submissions do not count toward it. Last evaluated 2025-12-03.

Conditions:
Cone-rod dystrophy 11 (CORD11). Identifiers: Orphanet 1872, MedGen C1835865, MONDO:0012483, OMIM 610381.
Retinal dystrophy. Also called: Inherited retinal dystrophy. Identifiers: Orphanet 71862, MedGen C0854723, MeSH D058499, MONDO:0019118, HP:0000556.

Allele frequency attached by ClinVar (database versions not stated): gnomAD exomes 0.00003 and 0.00002; gnomAD 0.00004 and 0.00003; TOPMed 0.00004; ESP Exome Variant Server 0.00008; ExAC 0.00003.

Submissions (4):

Labcorp Genetics (formerly Invitae), Labcorp
Classification: Uncertain significance. Last evaluated: 2025-12-03. Review status: criteria provided, single submitter. Criteria: Invitae Variant Classification Sherloc (09022015). Collection method: clinical testing. Allele origin: germline.
Comment: This sequence change replaces arginine, which is basic and polar, with histidine, which is basic and polar, at codon 31 of the RAX2 protein (p.Arg31His). This variant is present in population databases (rs373009969, gnomAD 0.004%). This missense change has been observed in individual(s) with retinal disease (PMID: 38219857). ClinVar contains an entry for this variant (Variation ID: 635426). An algorithm developed to predict the effect of missense changes on protein structure and function outputs the following: PolyPhen-2: "Probably Damaging". The histidine amino acid residue is found in multiple mammalian species, which suggests that this missense change does not adversely affect protein function. In summary, the available evidence is currently insufficient to determine the role of this variant in disease. Therefore, it has been classified as a Variant of Uncertain Significance.

Blueprint Genetics
Classification: Uncertain significance. Last evaluated: 2024-11-07. Review status: criteria provided, single submitter. Criteria: ACMG Guidelines, 2015. Collection method: clinical testing. Allele origin: germline.

Institute of Human Genetics, Univ. Regensburg, Univ. Regensburg
Classification: Uncertain significance for Retinal dystrophy. Last evaluated: 2021-01-01. Review status: no assertion criteria provided. Criteria: ACMG Guidelines, 2015. Collection method: clinical testing. Allele origin: germline. Affected: yes. Not counted in ClinVar's aggregate classification.

Bioscientia Institut fuer Medizinische Diagnostik GmbH, Sonic Healthcare
Classification: Uncertain significance for Cone-rod dystrophy 11. Last evaluated: 2018-09-24. Review status: no assertion criteria provided. Collection method: clinical testing. Allele origin: germline. Affected: yes. Not counted in ClinVar's aggregate classification.

Literature cited by the submitters: PubMed 38219857 (cited by Labcorp Genetics (formerly Invitae), Labcorp).

NM_001319074.4(RAX2):c.92G>A (p.Arg31His)

Gene: RAX2 (retina and anterior neural fold homeobox 2; minus strand). Cytogenetic location: 19p13.3.
Variant type: single nucleotide variant.
Coding change: c.92G>A on transcript NM_001319074.4 (MANE Select); coding-DNA position 92, G replaced by A.
Protein change: p.Arg31His; replaces arginine 31 with histidine.
Molecular consequence: missense variant.
Genome position (GRCh38, 1-based): chr19:3,771,651, C>T on the plus strand (G>A on the coding strand, the complement: RAX2 is on the minus strand). VCF-style: chr19-3771651-C-T. GRCh37 (hg19) VCF-style: chr19-3771649-C-T.
Other names: c.92G>A, p.Arg31His (NM_032753.4); short protein forms R31H.
Identifiers: ClinVar variation 635426 (VCV000635426.11), dbSNP rs373009969, ClinGen allele CA9085120.